The following is an entry in ClinVar:

NM_014000.3(VCL):c.1793T>C (p.Val598Ala)

Gene: VCL (vinculin; plus strand). Cytogenetic location: 10q22.2.
Variant type: single nucleotide variant.
Coding change: c.1793T>C on transcript NM_014000.3 (MANE Select); coding-DNA position 1793, T replaced by C.
Protein change: p.Val598Ala; replaces valine 598 with alanine.
Molecular consequence: missense variant.
Genome position (GRCh38, 1-based): chr10:74,097,253, T>C. VCF-style: chr10-74097253-T-C. GRCh37 (hg19) VCF-style: chr10-75857011-T-C.
Other names: c.1793T>C, p.Val598Ala (NM_003373.4); short protein forms V598A.
Identifiers: ClinVar variation 2998537 (VCV002998537.3), dbSNP rs763977443, ClinGen allele CA5563085.

ClinVar aggregate classification (germline): Uncertain significance (1 of 4 stars; one submission).

Conditions:
Dilated cardiomyopathy 1W (CMD1W). Identifiers: Orphanet 154, MedGen C1969639, MONDO:0012667, OMIM 611407.

Allele frequency attached by ClinVar (database versions not stated): gnomAD exomes below 0.00001; ExAC 0.00001.
gnomAD v4.1: 2 of 1,614,092 alleles (0.00012%); highest among the groups gnomAD compares: Non-Finnish European, 0.00017%; no homozygotes.

Submission:

Labcorp Genetics (formerly Invitae), Labcorp
Classification: Uncertain significance for Dilated cardiomyopathy 1W. Last evaluated: 2023-11-01. Review status: criteria provided, single submitter. Criteria: Invitae Variant Classification Sherloc (09022015). Collection method: clinical testing. Allele origin: germline.
Comment: This sequence change replaces valine, which is neutral and non-polar, with alanine, which is neutral and non-polar, at codon 598 of the VCL protein (p.Val598Ala). This variant is present in population databases (rs763977443, gnomAD 0.0009%). This variant has not been reported in the literature in individuals affected with VCL-related conditions. An algorithm developed to predict the effect of missense changes on protein structure and function (PolyPhen-2) suggests that this variant is likely to be tolerated. In summary, the available evidence is currently insufficient to determine the role of this variant in disease. Therefore, it has been classified as a Variant of Uncertain Significance.